The following is an entry in ClinVar:

ClinVar aggregate classification (germline): Uncertain significance. Review status: criteria provided, multiple submitters, no conflicts (2 of 4 stars). 3 submissions from 3 submitters: Uncertain significance (3). Last evaluated 2025-07-25.

Conditions:
Ataxia-telangiectasia-like disorder (ATLD). Identifiers: MedGen C1858391, MONDO:0011457.
Hereditary cancer-predisposing syndrome. Also called: Hereditary Cancer Syndrome; Hereditary neoplastic syndrome; Neoplastic Syndromes, Hereditary; Tumor predisposition. Identifiers: Orphanet 140162, MedGen C0027672, MeSH D009386, MONDO:0015356.
Ataxia-telangiectasia-like disorder 1 (ATLD1). Identifiers: Orphanet 251347, MedGen C4012790, MONDO:0024557, OMIM 604391.

gnomAD v4.1: 1 of 1,612,996 alleles (0.000062%); highest among the groups gnomAD compares: Non-Finnish European, 0.000085%; no homozygotes.

Submissions (3):

Ambry Genetics
Classification: Uncertain significance for Hereditary cancer-predisposing syndrome. Last evaluated: 2025-07-25. Review status: criteria provided, single submitter. Criteria: Ambry Variant Classification Scheme 2023. Collection method: clinical testing. Allele origin: germline.
Comment: The p.L362V variant (also known as c.1084C>G), located in coding exon 9 of the MRE11A gene, results from a C to G substitution at nucleotide position 1084. The leucine at codon 362 is replaced by valine, an amino acid with highly similar properties. This amino acid position is conserved. In addition, this alteration is predicted to be deleterious by in silico analysis. Since supporting evidence is limited at this time, the clinical significance of this alteration remains unclear.

Labcorp Genetics (formerly Invitae), Labcorp
Classification: Uncertain significance for Ataxia-telangiectasia-like disorder. Last evaluated: 2025-03-18. Review status: criteria provided, single submitter. Criteria: Invitae Variant Classification Sherloc (09022015). Collection method: clinical testing. Allele origin: germline.
Comment: This sequence change replaces leucine, which is neutral and non-polar, with valine, which is neutral and non-polar, at codon 362 of the MRE11 protein (p.Leu362Val). This variant is not present in population databases (gnomAD no frequency). This variant has not been reported in the literature in individuals affected with MRE11-related conditions. ClinVar contains an entry for this variant (Variation ID: 881594). An algorithm developed to predict the effect of missense changes on protein structure and function (PolyPhen-2) suggests that this variant is likely to be disruptive. In summary, the available evidence is currently insufficient to determine the role of this variant in disease. Therefore, it has been classified as a Variant of Uncertain Significance.

Illumina Laboratory Services, Illumina
Classification: Uncertain significance for Ataxia-telangiectasia-like disorder 1. Last evaluated: 2018-01-13. Review status: criteria provided, single submitter. Criteria: ICSL Variant Classification Criteria 13 December 2019. Collection method: clinical testing. Allele origin: germline.

NM_005591.4(MRE11):c.1084C>G (p.Leu362Val)

Gene: MRE11 (MRE11 double strand break repair nuclease; minus strand). Cytogenetic location: 11q21.
Variant type: single nucleotide variant.
Coding change: c.1084C>G on transcript NM_005591.4 (MANE Select); coding-DNA position 1084, C replaced by G.
Protein change: p.Leu362Val; replaces leucine 362 with valine.
Molecular consequence: missense variant.
Genome position (GRCh38, 1-based): chr11:94,467,827, G>C on the plus strand (C>G on the coding strand, the complement: MRE11 is on the minus strand). VCF-style: chr11-94467827-G-C. GRCh37 (hg19) VCF-style: chr11-94200993-G-C.
Other names: c.1084C>G, p.Leu362Val (NM_001330347.2, NM_005590.4); short protein forms L362V.
Identifiers: ClinVar variation 881594 (VCV000881594.8), dbSNP rs1565226205, ClinGen allele CA382373673.